The following is an entry in ClinVar:

ClinVar aggregate classification (germline): Pathogenic/Likely pathogenic. Review status: criteria provided, multiple submitters, no conflicts (2 of 4 stars). 2 submissions from 2 submitters: Pathogenic (1); Likely pathogenic (1). Last evaluated 2025-10-13.

Conditions:
RYR1-related disorder. Also called: RYR1-related condition; RYR1-related disorders. Identifiers: MedGen CN239331.
Congenital multicore myopathy with external ophthalmoplegia (CMYO1B). Also called: Congenital myopathy 1B, autosomal recessive; Minicore myopathy; MULTIMINICORE DISEASE WITH EXTERNAL OPHTHALMOPLEGIA; MULTICORE MYOPATHY; Minicore myopathy with external ophthalmoplegia. Identifiers: Orphanet 598, Orphanet 98905, MedGen C1850674, MONDO:0009712, OMIM 255320, HP:0003789.

Submissions (2):

Labcorp Genetics (formerly Invitae), Labcorp
Classification: Pathogenic for RYR1-related disorder. Last evaluated: 2025-10-13. Review status: criteria provided, single submitter. Criteria: Invitae Variant Classification Sherloc (09022015). Collection method: clinical testing. Allele origin: germline.
Comment: This sequence change creates a premature translational stop signal (p.Ala4348Profs*226) in the RYR1 gene. It is expected to result in an absent or disrupted protein product. Loss-of-function variants in RYR1 are known to be pathogenic (PMID: 23919265, 25960145, 28818389, 30611313). This variant is not present in population databases (gnomAD no frequency). This variant has not been reported in the literature in individuals affected with RYR1-related conditions. ClinVar contains an entry for this variant (Variation ID: 2168903). For these reasons, this variant has been classified as Pathogenic.

New York Genome Center
Classification: Likely pathogenic for Congenital multicore myopathy with external ophthalmoplegia. Last evaluated: 2022-11-22. Review status: criteria provided, single submitter. Criteria: NYGC Assertion Criteria 2020. Collection method: clinical testing. Allele origin: inherited. Observed: 1 heterozygote.

Literature cited by the submitters: PubMed 23919265 (cited by Labcorp Genetics (formerly Invitae), Labcorp); PubMed 25960145 (cited by Labcorp Genetics (formerly Invitae), Labcorp); PubMed 28818389 (cited by Labcorp Genetics (formerly Invitae), Labcorp); PubMed 30611313 (cited by Labcorp Genetics (formerly Invitae), Labcorp).

NM_000540.3(RYR1):c.13041_13066del (p.Ala4348fs)

Gene: RYR1 (ryanodine receptor 1; plus strand). Cytogenetic location: 19q13.2.
Variant type: Deletion.
Coding change: c.13041_13066del on transcript NM_000540.3 (MANE Select); coding-DNA positions 13041 to 13066, 26 bases deleted (CGCGGGGGCGGCGGCGGGCGCGCTGG).
Protein change: p.Ala4348fs; shifts the reading frame from alanine 4348.
Molecular consequence: frameshift variant.
Genome position (GRCh38, 1-based): chr19:38,565,375-38,565,400, CGCGGGGGCGGCGGCGGGCGCGCTGG deleted; deleting any 26 consecutive bases within chr19:38,565,369-38,565,400 gives the same sequence; the c. name uses the placement nearest the transcript's 3' end. VCF-style (leftmost placement, unchanged base first): chr19-38565368-CCGCTGGCGCGGGGGCGGCGGCGGGCG-C. GRCh37 (hg19) VCF-style: chr19-39056008-CCGCTGGCGCGGGGGCGGCGGCGGGCG-C.
Other names: c.13041_13066del26, p.Ala4348Profs (NM_000540.2); c.13026_13051del, p.Ala4343fs (NM_001042723.2); c.13041_13066del (NM_000540.2); short protein forms A4348fs, A4343fs.
Identifiers: ClinVar variation 2168903 (VCV002168903.5), dbSNP rs2514678371, ClinGen allele CA2576772103.
Genomic context (GRCh38, chr19:38,565,368, plus strand): 5'-CCCGCGAGGCGGCCACCGCAGTGGCGGCGCTGCTCTGGGCAGCAGTGACGCGCGCTGGGG[CCGCTGGCGCGGGGGCGGCGGCGGGCG>C]CGCTGGGCCTGCTCTGGGGCTCGCTGTTCGGCGGCGGCCTGGTGGAGGGCGCCAAGAAGG-3'